The following is an entry in ClinVar:

ClinVar aggregate classification (germline): Uncertain significance (1 of 4 stars; one submission).

Conditions:
Hypertrophic cardiomyopathy. Also called: HYPERTROPHIC MYOCARDIOPATHY. Identifiers: Orphanet 217569, MedGen C0007194, MeSH D002312, MONDO:0005045, HP:0001639.

Submission:

Labcorp Genetics (formerly Invitae), Labcorp
Classification: Uncertain significance for Hypertrophic cardiomyopathy. Last evaluated: 2025-10-10. Review status: criteria provided, single submitter. Criteria: Invitae Variant Classification Sherloc (09022015). Collection method: clinical testing. Allele origin: germline.
Comment: This sequence change replaces tyrosine, which is neutral and polar, with cysteine, which is neutral and slightly polar, at codon 29 of the TNNI3 protein (p.Tyr29Cys). This variant is not present in population databases (gnomAD no frequency). This variant has not been reported in the literature in individuals affected with TNNI3-related conditions. ClinVar contains an entry for this variant (Variation ID: 1040755). An algorithm developed to predict the effect of missense changes on protein structure and function (PolyPhen-2) suggests that this variant is likely to be disruptive. In summary, the available evidence is currently insufficient to determine the role of this variant in disease. Therefore, it has been classified as a Variant of Uncertain Significance.

NM_000363.5(TNNI3):c.86A>G (p.Tyr29Cys)

Gene: TNNI3 (troponin I3, cardiac type; minus strand). Cytogenetic location: 19q13.42.
Variant type: single nucleotide variant.
Coding change: c.86A>G on transcript NM_000363.5 (MANE Select); coding-DNA position 86, A replaced by G.
Protein change: p.Tyr29Cys; replaces tyrosine 29 with cysteine.
Molecular consequence: missense variant.
Genome position (GRCh38, 1-based): chr19:55,157,072, T>C on the plus strand (A>G on the coding strand, the complement: TNNI3 is on the minus strand). VCF-style: chr19-55157072-T-C. GRCh37 (hg19) VCF-style: chr19-55668440-T-C.
Other names: short protein forms Y29C.
Identifiers: ClinVar variation 1040755 (VCV001040755.8), dbSNP rs2085738286, ClinGen allele CA407442943.